The following is an entry in ClinVar:

ClinVar aggregate classification (germline): Uncertain significance (1 of 4 stars; one submission).

gnomAD v4.1: 14 of 1,551,682 alleles (0.0009%); highest among the groups gnomAD compares: East Asian, 0.0024%; no homozygotes.

Submission:

Labcorp Genetics (formerly Invitae), Labcorp
Classification: Uncertain significance. Last evaluated: 2024-11-18. Review status: criteria provided, single submitter. Criteria: Invitae Variant Classification Sherloc (09022015). Collection method: clinical testing. Allele origin: germline.
Comment: This sequence change replaces asparagine, which is neutral and polar, with serine, which is neutral and polar, at codon 1877 of the LOXHD1 protein (p.Asn1877Ser). This variant is present in population databases (no rsID available, gnomAD 0.006%). This variant has not been reported in the literature in individuals affected with LOXHD1-related conditions. An algorithm developed to predict the effect of missense changes on protein structure and function outputs the following: PolyPhen-2: "Benign". The serine amino acid residue is found in multiple mammalian species, which suggests that this missense change does not adversely affect protein function. In summary, the available evidence is currently insufficient to determine the role of this variant in disease. Therefore, it has been classified as a Variant of Uncertain Significance.

NM_001384474.1(LOXHD1):c.5816A>G (p.Asn1939Ser)

Gene: LOXHD1 (lipoxygenase homology PLAT domains 1; minus strand). Cytogenetic location: 18q21.1.
Variant type: single nucleotide variant.
Coding change: c.5816A>G on transcript NM_001384474.1 (MANE Select); coding-DNA position 5816, A replaced by G.
Protein change: p.Asn1939Ser; replaces asparagine 1939 with serine.
Molecular consequence: missense variant.
Genome position (GRCh38, 1-based): chr18:46,505,900, T>C on the plus strand (A>G on the coding strand, the complement: LOXHD1 is on the minus strand). VCF-style: chr18-46505900-T-C. GRCh37 (hg19) VCF-style: chr18-44085863-T-C.
Other names: c.2483A>G, p.Asn828Ser (NM_001145472.3); c.533A>G, p.Asn178Ser (NM_001145473.3, NM_001173129.2); c.2195A>G, p.Asn732Ser (NM_001308013.2); c.5630A>G, p.Asn1877Ser (NM_144612.7); short protein forms N1877S, N828S, N1939S, N732S, N178S.
Identifiers: ClinVar variation 3719202 (VCV003719202.2).
Genomic context (GRCh38, chr18:46,505,900, plus strand): 5'-TTGTTGTCGTGCCAGACCCTCAGCTTGCAGAGGTGGCCCAAGCTCAGCATGTCAGGGAAG[T>C]TGAATGTGTCCGTGTTGTTCCGCTCAAACTTGTTCCAGTTTGCCGACTGCTTCAGGGCCA-3'
Protein context (NP_001371403.1, residues 1929-1949): KFERNNTDTF[Asn1939Ser]FPDMLSLGHL